The following is an entry in ClinVar:

ClinVar aggregate classification (germline): Benign (1 of 4 stars; one submission).

Conditions:
Multiple synostoses syndrome 3 (SYNS3). Identifiers: Orphanet 3237, MedGen C2751826, MONDO:0013064, OMIM 612961.

Allele frequency attached by ClinVar (database versions not stated): gnomAD 0.00031 and 0.00050; TOPMed 0.00044; 1000 Genomes Project 30x 0.00312; 1000 Genomes Project 0.00359.

Submission:

Illumina Laboratory Services, Illumina
Classification: Benign for Multiple synostoses syndrome 3. Last evaluated: 2018-01-12. Review status: criteria provided, single submitter. Criteria: ICSL Variant Classification Criteria 13 December 2019. Collection method: clinical testing. Allele origin: germline.
Comment: This variant was observed in the ICSL laboratory as part of a predisposition screen in an ostensibly healthy population. It had not been previously curated by ICSL or reported in the Human Gene Mutation Database (HGMD: prior to June 1st, 2018), and was therefore a candidate for classification through an automated scoring system. Utilizing variant allele frequency, disease prevalence and penetrance estimates, and inheritance mode, an automated score was calculated to assess if this variant is too frequent to cause the disease. Based on the score and internal cut-off values, a variant classified as benign is not then subjected to further curation. The score for this variant resulted in a classification of benign for this disease.

NM_002010.3(FGF9):c.*2325A>G

Gene: FGF9 (fibroblast growth factor 9; plus strand). Cytogenetic location: 13q12.11.
Variant type: single nucleotide variant.
Coding change: c.*2325A>G on transcript NM_002010.3 (MANE Select); 2325 bases downstream of the stop codon, A replaced by G.
Molecular consequence: 3 prime UTR variant.
Genome position (GRCh38, 1-based): chr13:21,703,760, A>G. VCF-style: chr13-21703760-A-G. GRCh37 (hg19) VCF-style: chr13-22277899-A-G.
Identifiers: ClinVar variation 311466 (VCV000311466.5), dbSNP rs143740722, ClinGen allele CA10634023.